The following is an entry in ClinVar:

NM_000891.3(KCNJ2):c.109G>A (p.Val37Ile)

Gene: KCNJ2 (potassium inwardly rectifying channel subfamily J member 2; plus strand). Cytogenetic location: 17q24.3.
Variant type: single nucleotide variant.
Coding change: c.109G>A on transcript NM_000891.3 (MANE Select); coding-DNA position 109, G replaced by A.
Protein change: p.Val37Ile; replaces valine 37 with isoleucine.
Molecular consequence: missense variant.
Genome position (GRCh38, 1-based): chr17:70,175,148, G>A. VCF-style: chr17-70175148-G-A. GRCh37 (hg19) VCF-style: chr17-68171289-G-A.
Other names: short protein forms V37I.
Identifiers: ClinVar variation 3232298 (VCV003232298.1), dbSNP rs2509920779, ClinGen allele CA400859884.

ClinVar aggregate classification (germline): Uncertain significance (1 of 4 stars; one submission).

Conditions:
Cardiovascular phenotype. Identifiers: MedGen CN230736.

Submission:

Ambry Genetics
Classification: Uncertain significance for Cardiovascular phenotype. Last evaluated: 2023-10-26. Review status: criteria provided, single submitter. Criteria: Ambry Variant Classification Scheme 2023. Collection method: clinical testing. Allele origin: germline.
Comment: The p.V37I variant (also known as c.109G>A), located in coding exon 1 of the KCNJ2 gene, results from a G to A substitution at nucleotide position 109. The valine at codon 37 is replaced by isoleucine, an amino acid with highly similar properties. This amino acid position is well conserved in available vertebrate species. In addition, this alteration is predicted to be tolerated by in silico analysis. Since supporting evidence is limited at this time, the clinical significance of this alteration remains unclear.